The following is an entry in ClinVar:

NM_015450.3(POT1):c.839A>G (p.Glu280Gly)

Gene: POT1 (protection of telomeres 1; minus strand). Cytogenetic location: 7q31.33.
Variant type: single nucleotide variant.
Coding change: c.839A>G on transcript NM_015450.3 (MANE Select); coding-DNA position 839, A replaced by G.
Protein change: p.Glu280Gly; replaces glutamic acid 280 with glycine.
Molecular consequence: missense variant. On other transcripts: non-coding transcript variant (3).
Genome position (GRCh38, 1-based): chr7:124,853,002, T>C on the plus strand (A>G on the coding strand, the complement: POT1 is on the minus strand). VCF-style: chr7-124853002-T-C. GRCh37 (hg19) VCF-style: chr7-124493056-T-C.
Other names: c.446A>G, p.Glu149Gly (NM_001042594.2); short protein forms E280G, E149G.
Identifiers: ClinVar variation 579202 (VCV000579202.13), dbSNP rs1562987653, ClinGen allele CA369055272.

ClinVar aggregate classification (germline): Uncertain significance. Review status: criteria provided, multiple submitters, no conflicts (2 of 4 stars). 2 submissions from 2 submitters: Uncertain significance (2). Last evaluated 2025-12-15.

Conditions:
Hereditary cancer-predisposing syndrome. Also called: Tumor predisposition; Neoplastic Syndromes, Hereditary; Hereditary neoplastic syndrome; Hereditary Cancer Syndrome. Identifiers: Orphanet 140162, MedGen C0027672, MeSH D009386, MONDO:0015356.
Tumor predisposition syndrome 3 (TPDS3). Also called: Melanoma, cutaneous malignant, susceptibility to, 10; LONG TELOMERE SYNDROME, POT1-RELATED; POT1 Tumor Predisposition; Glioma susceptibility 9. Identifiers: Orphanet 618, MedGen C4014476, MONDO:0014368, OMIM 615848.

Submissions (2):

Labcorp Genetics (formerly Invitae), Labcorp
Classification: Uncertain significance for Tumor predisposition syndrome 3. Last evaluated: 2025-12-15. Review status: criteria provided, single submitter. Criteria: Invitae Variant Classification Sherloc (09022015). Collection method: clinical testing. Allele origin: germline.
Comment: This sequence change replaces glutamic acid, which is acidic and polar, with glycine, which is neutral and non-polar, at codon 280 of the POT1 protein (p.Glu280Gly). This variant is not present in population databases (gnomAD no frequency). This variant has not been reported in the literature in individuals affected with POT1-related conditions. ClinVar contains an entry for this variant (Variation ID: 579202). Invitae Evidence Modeling of protein sequence and biophysical properties (such as structural, functional, and spatial information, amino acid conservation, physicochemical variation, residue mobility, and thermodynamic stability) indicates that this missense variant is not expected to disrupt POT1 protein function with a negative predictive value of 80%. In summary, the available evidence is currently insufficient to determine the role of this variant in disease. Therefore, it has been classified as a Variant of Uncertain Significance.

Ambry Genetics
Classification: Uncertain significance for Hereditary cancer-predisposing syndrome. Last evaluated: 2025-04-21. Review status: criteria provided, single submitter. Criteria: Ambry Variant Classification Scheme 2023. Collection method: clinical testing. Allele origin: germline.
Comment: The p.E280G variant (also known as c.839A>G), located in coding exon 6 of the POT1 gene, results from an A to G substitution at nucleotide position 839. The glutamic acid at codon 280 is replaced by glycine, an amino acid with similar properties. This amino acid position is well conserved in available vertebrate species. In addition, this alteration is predicted to be tolerated by in silico analysis. Based on the available evidence, the clinical significance of this variant remains unclear.